The following is an entry in ClinVar:

ClinVar aggregate classification (germline): Pathogenic/Likely pathogenic. Review status: criteria provided, multiple submitters, no conflicts (2 of 4 stars). 2 submissions from 2 submitters: Pathogenic (1); Likely pathogenic (1). Last evaluated 2022-12-07.

Conditions:
Dilated cardiomyopathy 1G (CMD1G). Identifiers: Orphanet 154, MedGen C1858763, MONDO:0011400, OMIM 604145.
Autosomal recessive limb-girdle muscular dystrophy type 2J (LGMDR10). Also called: MUSCULAR DYSTROPHY, LIMB-GIRDLE, AUTOSOMAL RECESSIVE 10; Limb-girdle muscular dystrophy, type 2J. Identifiers: Orphanet 140922, MedGen C1837342, MONDO:0012127, OMIM 608807.

Submissions (2):

Labcorp Genetics (formerly Invitae), Labcorp
Classification: Likely pathogenic for Dilated cardiomyopathy 1G; Autosomal recessive limb-girdle muscular dystrophy type 2J. Last evaluated: 2022-12-07. Review status: criteria provided, single submitter. Criteria: Invitae Variant Classification Sherloc (09022015). Collection method: clinical testing. Allele origin: germline.
Comment: In summary, the currently available evidence indicates that the variant is pathogenic, but additional data are needed to prove that conclusively. Therefore, this variant has been classified as Likely Pathogenic. This variant is located in the A band of TTN (PMID: 25589632). Truncating variants in this region are significantly overrepresented in patients affected with dilated cardiomyopathy (PMID: 25589632). Truncating variants in this region have also been reported in individuals affected with autosomal recessive centronuclear myopathy (PMID: 23975875). ClinVar contains an entry for this variant (Variation ID: 202386). This variant has not been reported in the literature in individuals affected with TTN-related conditions. This variant is not present in population databases (gnomAD no frequency). This sequence change creates a premature translational stop signal (p.Trp17491*) in the TTN gene. While this is not anticipated to result in nonsense mediated decay, it is expected to create a truncated TTN protein.

GeneDx
Classification: Pathogenic. Last evaluated: 2013-10-31. Review status: criteria provided, single submitter. Criteria: GeneDx Variant Classification (06012015). Collection method: clinical testing. Allele origin: germline. Affected: yes.
Comment: The W15850X mutation in the TTN gene has not been reported previously as a disease causing mutation or as a benign polymorphism, to our knowledge. W15850X is predicted to cause loss of normal protein function either due to production of an abnormal, prematurely truncated protein, or by absence of protein product due to nonsense mediated mRNA decay. Other truncating TTN variants have been reported in approximately 3% of control alleles (Herman D et al., 2012). However, W15850X is located in the A-band region of titin, where the majority of truncating mutations associated with DCM have been reported (Herman D et al., 2012). Furthermore, W15850X was not observed in approximately 6000 individuals of European and African American ancestry in the NHLBI Exome Sequencing Project, indicating it is not a common benign variant in these populations. The variant is found in DCM-CRDM panel(s).

Literature cited by the submitters: PubMed 25589632 (cited by Labcorp Genetics (formerly Invitae), Labcorp); PubMed 23975875 (cited by Labcorp Genetics (formerly Invitae), Labcorp).

NM_001267550.2(TTN):c.52473G>A (p.Trp17491Ter)

Genes: TTN (titin; minus strand), TTN-AS1 (TTN antisense RNA 1; plus strand). Cytogenetic location: 2q31.2.
Variant type: single nucleotide variant.
Coding change: c.52473G>A on transcript NM_001267550.2 (MANE Select); coding-DNA position 52473, G replaced by A.
Protein change: p.Trp17491Ter; replaces tryptophan 17491 with a stop codon.
Molecular consequence: nonsense.
Genome position (GRCh38, 1-based): chr2:178,608,410, C>T on the plus strand (G>A on the coding strand, the complement: TTN is on the minus strand). VCF-style: chr2-178608410-C-T. GRCh37 (hg19) VCF-style: chr2-179473137-C-T.
Other names: p.W15850X:TGG>TGA; c.25278G>A, p.Trp8426Ter (NM_003319.4); c.44769G>A, p.Trp14923Ter (NM_133378.4); c.25653G>A, p.Trp8551Ter (NM_133432.3); c.25854G>A, p.Trp8618Ter (NM_133437.4); c.47550G>A, p.Trp15850Ter (NM_001256850.1); short protein forms W15850*, W17491*, W8551*, W8618*, W8426*, W14923*.
Identifiers: ClinVar variation 202386 (VCV000202386.9), dbSNP rs794729271, ClinGen allele CA309261.